The following is an entry in ClinVar:

NM_001267550.2(TTN):c.9548del (p.Gly3183fs)

Gene: TTN (titin; minus strand). Cytogenetic location: 2q31.2.
Variant type: Deletion.
Coding change: c.9548del on transcript NM_001267550.2 (MANE Select); coding-DNA position 9548, one base deleted (G; older notation c.9548delG).
Protein change: p.Gly3183fs; shifts the reading frame from glycine 3183.
Molecular consequence: frameshift variant.
Genome position (GRCh38, 1-based): chr2:178,766,536, C deleted on the plus strand (G on the coding strand, the reverse complement: TTN is on the minus strand); the first of 2 consecutive C bases (chr2:178,766,536-178,766,537); deleting either gives the same sequence. VCF-style (leftmost placement, unchanged base first): chr2-178766535-GC-G. GRCh37 (hg19) VCF-style: chr2-179631262-GC-G.
Other names: c.9548del, p.Gly3183fs (NM_001256850.1, NM_133378.4, NM_133379.5); c.9410del, p.Gly3137fs (NM_003319.4, NM_133432.3, NM_133437.4); short protein forms G3137fs, G3183fs.
Identifiers: ClinVar variation 1005052 (VCV001005052.9), dbSNP rs2090460301, ClinGen allele CA1310613384.

ClinVar aggregate classification (germline): Likely pathogenic (1 of 4 stars; one submission).

Conditions:
Dilated cardiomyopathy 1G (CMD1G). Identifiers: Orphanet 154, MedGen C1858763, MONDO:0011400, OMIM 604145.
Autosomal recessive limb-girdle muscular dystrophy type 2J (LGMDR10). Also called: Limb-girdle muscular dystrophy, type 2J; MUSCULAR DYSTROPHY, LIMB-GIRDLE, AUTOSOMAL RECESSIVE 10. Identifiers: Orphanet 140922, MedGen C1837342, MONDO:0012127, OMIM 608807.

Submission:

Labcorp Genetics (formerly Invitae), Labcorp
Classification: Likely pathogenic for Dilated cardiomyopathy 1G; Autosomal recessive limb-girdle muscular dystrophy type 2J. Last evaluated: 2024-02-23. Review status: criteria provided, single submitter. Criteria: Invitae Variant Classification Sherloc (09022015). Collection method: clinical testing. Allele origin: germline.
Comment: This sequence change creates a premature translational stop signal (p.Gly3183Alafs*15) in the TTN gene. While this is not anticipated to result in nonsense mediated decay, it is expected to create a truncated TTN protein. This variant is not present in population databases (gnomAD no frequency). This variant has not been reported in the literature in individuals affected with TTN-related conditions. ClinVar contains an entry for this variant (Variation ID: 1005052). This variant is located in the I band of TTN (PMID: 25589632). Truncating variants in this region have been reported in individuals affected with autosomal recessive centronuclear myopathy (PMID: 23975875, Invitae internal data). Truncating variants in this region have also been identified in individuals affected with autosomal dominant dilated cardiomyopathy and/or cardio-related conditions (PMID: 27869827, 32964742, Invitae internal data). In summary, the currently available evidence indicates that the variant is pathogenic, but additional data are needed to prove that conclusively. Therefore, this variant has been classified as Likely Pathogenic.

Literature cited by the submitters: PubMed 25589632; PubMed 23975875; PubMed 27869827; PubMed 32964742.